The following is an entry in ClinVar:

ClinVar aggregate classification (germline): Uncertain significance (1 of 4 stars; one submission).

Conditions:
Acute myeloid leukemia (AML). Also called: Acute myeloid leukemia, adult; AML adult; Acute non-lymphocytic leukemia; Acute granulocytic leukemia; Leukemia, acute myeloid, somatic; Leukemia, acute myelogenous, somatic. Identifiers: Orphanet 519, MedGen C0023467, MeSH D015470, MONDO:0018874, OMIM 601626, HP:0004808. Disease mechanism: Constitutively activated FLT3.

gnomAD v4.1: 2 of 1,608,018 alleles (0.00012%); highest among the groups gnomAD compares: African/African-American, 0.0013%; no homozygotes.

Submission:

Labcorp Genetics (formerly Invitae), Labcorp
Classification: Uncertain significance for Acute myeloid leukemia. Last evaluated: 2023-10-05. Review status: criteria provided, single submitter. Criteria: Invitae Variant Classification Sherloc (09022015). Collection method: clinical testing. Allele origin: germline.
Comment: This sequence change affects codon 345 of the CEBPA mRNA. It is a 'silent' change, meaning that it does not change the encoded amino acid sequence of the CEBPA protein. This variant is not present in population databases (gnomAD no frequency). This variant has not been reported in the literature in individuals affected with CEBPA-related conditions. In summary, the available evidence is currently insufficient to determine the role of this variant in disease. Therefore, it has been classified as a Variant of Uncertain Significance.

NM_004364.5(CEBPA):c.1035G>A (p.Leu345=)

Gene: CEBPA (CCAAT enhancer binding protein alpha; minus strand). Cytogenetic location: 19q13.11.
Variant type: single nucleotide variant.
Coding change: c.1035G>A on transcript NM_004364.5 (MANE Select); coding-DNA position 1035, G replaced by A.
Protein change: p.Leu345=; no amino-acid change (leucine 345 retained).
Molecular consequence: synonymous variant.
Genome position (GRCh38, 1-based): chr19:33,301,380, C>T on the plus strand (G>A on the coding strand, the complement: CEBPA is on the minus strand). VCF-style: chr19-33301380-C-T. GRCh37 (hg19) VCF-style: chr19-33792286-C-T.
Other names: c.678G>A, p.Leu226= (NM_001285829.2); c.1140G>A, p.Leu380= (NM_001287424.2); c.993G>A, p.Leu331= (NM_001287435.2).
Identifiers: ClinVar variation 2765886 (VCV002765886.3), dbSNP rs1181818523, ClinGen allele CA507006940.